The following is an entry in ClinVar:

ClinVar aggregate classification (germline): Uncertain significance (1 of 4 stars; one submission).

Submission:

Labcorp Genetics (formerly Invitae), Labcorp
Classification: Uncertain significance. Last evaluated: 2023-07-17. Review status: criteria provided, single submitter. Criteria: Invitae Variant Classification Sherloc (09022015). Collection method: clinical testing. Allele origin: germline.
Comment: This sequence change replaces leucine, which is neutral and non-polar, with proline, which is neutral and non-polar, at codon 591 of the MKL1 protein (p.Leu591Pro). This variant is not present in population databases (gnomAD no frequency). This variant has not been reported in the literature in individuals affected with MKL1-related conditions. Algorithms developed to predict the effect of missense changes on protein structure and function output the following: SIFT: "Not Available"; PolyPhen-2: "Benign"; Align-GVGD: "Not Available". The proline amino acid residue is found in multiple mammalian species, which suggests that this missense change does not adversely affect protein function. In summary, the available evidence is currently insufficient to determine the role of this variant in disease. Therefore, it has been classified as a Variant of Uncertain Significance.

NM_020831.6(MRTFA):c.2072T>C (p.Leu691Pro)

Gene: MRTFA (myocardin related transcription factor A; minus strand). Cytogenetic location: 22q13.1.
Variant type: single nucleotide variant.
Coding change: c.2072T>C on transcript NM_020831.6 (MANE Select); coding-DNA position 2072, T replaced by C.
Protein change: p.Leu691Pro; replaces leucine 691 with proline.
Molecular consequence: missense variant.
Genome position (GRCh38, 1-based): chr22:40,418,666, A>G on the plus strand (T>C on the coding strand, the complement: MRTFA is on the minus strand). VCF-style: chr22-40418666-A-G. GRCh37 (hg19) VCF-style: chr22-40814670-A-G.
Other names: c.1772T>C, p.Leu591Pro (NM_001282660.2); c.1922T>C, p.Leu641Pro (NM_001282661.3); c.2072T>C, p.Leu691Pro (NM_001282662.3); c.1877T>C, p.Leu626Pro (NM_001318139.2); short protein forms L626P, L691P, L641P, L591P.
Identifiers: ClinVar variation 2973270 (VCV002973270.3), dbSNP rs2052747573, ClinGen allele CA411658527.